The following is an entry in ClinVar:

ClinVar aggregate classification (germline): Uncertain significance (1 of 4 stars; one submission).

Conditions:
Blau syndrome (BLAUS). Also called: GRANULOMATOSIS, FAMILIAL JUVENILE SYSTEMIC; GRANULOMATOSIS, FAMILIAL, BLAU TYPE; GRANULOMATOUS INFLAMMATORY ARTHRITIS, DERMATITIS, AND UVEITIS, FAMILIAL; JABS SYNDROME; ARTHROCUTANEOUVEAL GRANULOMATOSIS. Identifiers: Orphanet 90340, MedGen C5201146, MONDO:0008523, OMIM 186580.
Regional enteritis. Also called: Enteritis, Granulomatous. Identifiers: MedGen C0678202, MeSH D003424.

Allele frequency attached by ClinVar (database versions not stated): gnomAD exomes below 0.00001.
gnomAD v4.1: 6 of 1,603,574 alleles (0.00037%); highest among the groups gnomAD compares: Non-Finnish European, 0.00034%; no homozygotes.

Submission:

Labcorp Genetics (formerly Invitae), Labcorp
Classification: Uncertain significance for Regional enteritis; Blau syndrome. Last evaluated: 2024-10-15. Review status: criteria provided, single submitter. Criteria: Invitae Variant Classification Sherloc (09022015). Collection method: clinical testing. Allele origin: germline.
Comment: This sequence change replaces arginine, which is basic and polar, with lysine, which is basic and polar, at codon 180 of the NOD2 protein (p.Arg180Lys). This variant is present in population databases (no rsID available, gnomAD 0.0009%). This variant has not been reported in the literature in individuals affected with NOD2-related conditions. ClinVar contains an entry for this variant (Variation ID: 1513400). Invitae Evidence Modeling of protein sequence and biophysical properties (such as structural, functional, and spatial information, amino acid conservation, physicochemical variation, residue mobility, and thermodynamic stability) indicates that this missense variant is not expected to disrupt NOD2 protein function with a negative predictive value of 95%. Experimental studies have shown that this missense change affects NOD2 function (PMID: 15044951). In summary, the available evidence is currently insufficient to determine the role of this variant in disease. Therefore, it has been classified as a Variant of Uncertain Significance.

Literature cited by the submitters: PubMed 15044951.

NM_001370466.1(NOD2):c.458G>A (p.Arg153Lys)

Gene: NOD2 (nucleotide binding oligomerization domain containing 2; plus strand). Cytogenetic location: 16q12.1.
Variant type: single nucleotide variant.
Coding change: c.458G>A on transcript NM_001370466.1 (MANE Select); coding-DNA position 458, G replaced by A.
Protein change: p.Arg153Lys; replaces arginine 153 with lysine.
Molecular consequence: missense variant. On other transcripts: non-coding transcript variant (1).
Genome position (GRCh38, 1-based): chr16:50,699,953, G>A. VCF-style: chr16-50699953-G-A. GRCh37 (hg19) VCF-style: chr16-50733864-G-A.
Other names: c.458G>A, p.Arg153Lys (NM_001293557.2); c.539G>A, p.Arg180Lys (NM_022162.3); short protein forms R153K, R180K.
Identifiers: ClinVar variation 1513400 (VCV001513400.6), dbSNP rs1259750235, ClinGen allele CA395867017.